The following is an entry in ClinVar:

NM_001034853.2(RPGR):c.308C>A (p.Thr103Lys)

Gene: RPGR (retinitis pigmentosa GTPase regulator; minus strand). Cytogenetic location: Xp11.4.
Variant type: single nucleotide variant.
Coding change: c.308C>A on transcript NM_001034853.2 (MANE Select); coding-DNA position 308, C replaced by A.
Protein change: p.Thr103Lys; replaces threonine 103 with lysine.
Molecular consequence: missense variant. On other transcripts: non-coding transcript variant (6).
Genome position (GRCh38, 1-based): chrX:38,321,029, G>T on the plus strand (C>A on the coding strand, the complement: RPGR is on the minus strand). VCF-style: chrX-38321029-G-T. GRCh37 (hg19) VCF-style: chrX-38180282-G-T.
Other names: c.308C>A, p.Thr103Lys (NM_000328.3, NM_001367245.1, NM_001367246.1 and 4 more transcripts); c.338C>A, p.Thr113Lys (NM_001367248.1); short protein forms T103K, T113K.
Identifiers: ClinVar variation 2430210 (VCV002430210.4), dbSNP rs2147285611, ClinGen allele CA412745353.

ClinVar aggregate classification (germline): Conflicting classifications of pathogenicity. Review status: criteria provided, conflicting classifications (1 of 4 stars). 3 submissions from 3 submitters: Likely pathogenic (1); Uncertain significance (2). Last evaluated 2025-02-26.

Conditions:
Primary ciliary dyskinesia. Also called: Ciliary dyskinesia. Identifiers: Orphanet 244, MedGen C0008780, MONDO:0016575, HP:0012265.
RPGR-related disorder. Also called: RPGR-related condition.

Submissions (3):

Labcorp Genetics (formerly Invitae), Labcorp
Classification: Uncertain significance for Primary ciliary dyskinesia. Last evaluated: 2025-02-26. Review status: criteria provided, single submitter. Criteria: Invitae Variant Classification Sherloc (09022015). Collection method: clinical testing. Allele origin: germline.
Comment: This sequence change replaces threonine, which is neutral and polar, with lysine, which is basic and polar, at codon 103 of the RPGR protein (p.Thr103Lys). This variant is not present in population databases (gnomAD no frequency). This variant has not been reported in the literature in individuals affected with RPGR-related conditions. ClinVar contains an entry for this variant (Variation ID: 2430210). An algorithm developed to predict the effect of missense changes on protein structure and function (PolyPhen-2) suggests that this variant is likely to be disruptive. In summary, the available evidence is currently insufficient to determine the role of this variant in disease. Therefore, it has been classified as a Variant of Uncertain Significance.

Blueprint Genetics
Classification: Likely pathogenic for RPGR-related disorders. Last evaluated: 2022-05-20. Review status: criteria provided, single submitter. Criteria: ACMG Guidelines, 2015. Collection method: clinical testing. Allele origin: germline. Affected: yes. Observed: 5 variant alleles.

PreventionGenetics, part of Exact Sciences
Classification: Uncertain significance. Last evaluated: 2019-04-03. Review status: criteria provided, single submitter. Criteria: ACMG Guidelines, 2015. Collection method: clinical testing. Allele origin: germline.